The following is an entry in ClinVar:

ClinVar aggregate classification (germline): Uncertain significance (1 of 4 stars; one submission).

Conditions:
FOCAD-related disorder. Also called: FOCAD-related condition.

Submission:

PreventionGenetics, part of Exact Sciences
Classification: Uncertain significance for FOCAD-related condition. Last evaluated: 2023-07-07. Review status: criteria provided, single submitter. Criteria: ACMG Guidelines, 2015. Collection method: clinical testing. Allele origin: germline.
Comment: The FOCAD c.4663A>C variant is predicted to result in the amino acid substitution p.Ser1555Arg. To our knowledge, this variant has not been reported in the literature or in a large population database, indicating this variant is rare. At this time, the clinical significance of this variant is uncertain due to the absence of conclusive functional and genetic evidence.

NM_001375567.1(FOCAD):c.4663A>C (p.Ser1555Arg)

Gene: FOCAD (focadhesin; plus strand). Cytogenetic location: 9p21.3.
Variant type: single nucleotide variant.
Coding change: c.4663A>C on transcript NM_001375567.1 (MANE Select); coding-DNA position 4663, A replaced by C.
Protein change: p.Ser1555Arg; replaces serine 1555 with arginine.
Molecular consequence: missense variant.
Genome position (GRCh38, 1-based): chr9:20,982,381, A>C. VCF-style: chr9-20982381-A-C. GRCh37 (hg19) VCF-style: chr9-20982380-A-C.
Other names: c.4558A>C, p.Ser1520Arg (NM_001375568.1, NM_001375570.1); c.4663A>C, p.Ser1555Arg (NM_017794.5); short protein forms S1520R, S1555R.
Identifiers: ClinVar variation 2632581 (VCV002632581.1), dbSNP rs2488982478, ClinGen allele CA373055675.